The following is an entry in ClinVar:

ClinVar aggregate classification (germline): Uncertain significance. Review status: criteria provided, single submitter (1 of 4 stars). 2 submissions from 2 submitters: Uncertain significance (1). 1 of the submissions does not count toward it. Last evaluated 2023-08-29.

Conditions:
INPP5E-related disorder. Also called: INPP5E-related condition.

gnomAD v4.1: 4 of 1,613,930 alleles (0.00025%); highest among the groups gnomAD compares: African/African-American, 0.0013%; no homozygotes.

Submissions (2):

Blueprint Genetics
Classification: Uncertain significance. Last evaluated: 2023-08-29. Review status: criteria provided, single submitter. Criteria: ACMG Guidelines, 2015. Collection method: clinical testing. Allele origin: germline.

PreventionGenetics, part of Exact Sciences
Classification: Uncertain significance for INPP5E-related condition. Last evaluated: 2023-12-21. Review status: no assertion criteria provided. Collection method: clinical testing. Allele origin: germline. Not counted in ClinVar's aggregate classification.
Comment: The INPP5E c.1879C>G variant is predicted to result in the amino acid substitution p.Gln627Glu. To our knowledge, this variant has not been reported in the literature. This variant is reported in 0.011% of alleles in individuals of African descent in gnomAD. At this time, the clinical significance of this variant is uncertain due to the absence of conclusive functional and genetic evidence.

NM_019892.6(INPP5E):c.1879C>G (p.Gln627Glu)

Gene: INPP5E (inositol polyphosphate-5-phosphatase E; minus strand). Cytogenetic location: 9q34.3.
Variant type: single nucleotide variant.
Coding change: c.1879C>G on transcript NM_019892.6 (MANE Select); coding-DNA position 1879, C replaced by G.
Protein change: p.Gln627Glu; replaces glutamine 627 with glutamic acid.
Molecular consequence: missense variant.
Genome position (GRCh38, 1-based): chr9:136,429,731, G>C on the plus strand (C>G on the coding strand, the complement: INPP5E is on the minus strand). VCF-style: chr9-136429731-G-C. GRCh37 (hg19) VCF-style: chr9-139324183-G-C.
Other names: c.1876C>G, p.Gln626Glu (NM_001318502.2); short protein forms Q626E, Q627E.
Identifiers: ClinVar variation 3350197 (VCV003350197.2).